The following is an entry in ClinVar:

ClinVar aggregate classification (germline): Uncertain significance (1 of 4 stars; one submission).

Conditions:
Gastrointestinal stromal tumor. Also called: Gastrointestinal stroma tumor; Gastrointestinal stromal tumor, somatic. Identifiers: Orphanet 44890, MedGen C0238198, MeSH D046152, MONDO:0011719, OMIM 606764, HP:0100723.

Submission:

Labcorp Genetics (formerly Invitae), Labcorp
Classification: Uncertain significance for Gastrointestinal stromal tumor. Last evaluated: 2021-09-18. Review status: criteria provided, single submitter. Criteria: Invitae Variant Classification Sherloc (09022015). Collection method: clinical testing. Allele origin: germline.
Comment: This sequence change replaces isoleucine with valine at codon 148 of the PDGFRA protein (p.Ile148Val). The isoleucine residue is highly conserved and there is a small physicochemical difference between isoleucine and valine. This variant is not present in population databases (ExAC no frequency). This variant has not been reported in the literature in individuals affected with PDGFRA-related conditions. Algorithms developed to predict the effect of missense changes on protein structure and function are either unavailable or do not agree on the potential impact of this missense change (SIFT: "Deleterious"; PolyPhen-2: "Benign"; Align-GVGD: "Class C0"). In summary, the available evidence is currently insufficient to determine the role of this variant in disease. Therefore, it has been classified as a Variant of Uncertain Significance.

NM_006206.6(PDGFRA):c.442A>G (p.Ile148Val)

Gene: PDGFRA (platelet derived growth factor receptor alpha; plus strand). Cytogenetic location: 4q12.
Variant type: single nucleotide variant.
Coding change: c.442A>G on transcript NM_006206.6 (MANE Select); coding-DNA position 442, A replaced by G.
Protein change: p.Ile148Val; replaces isoleucine 148 with valine.
Molecular consequence: missense variant.
Genome position (GRCh38, 1-based): chr4:54,263,741, A>G. VCF-style: chr4-54263741-A-G. GRCh37 (hg19) VCF-style: chr4-55129908-A-G.
Other names: c.442A>G, p.Ile148Val (NM_001347827.2, NM_001347829.2); c.517A>G, p.Ile173Val (NM_001347828.2); c.481A>G, p.Ile161Val (NM_001347830.2); short protein forms I161V, I148V, I173V.
Identifiers: ClinVar variation 1416982 (VCV001416982.6), dbSNP rs2110251418, ClinGen allele CA356889835.